The following is an entry in ClinVar:

ClinVar aggregate classification (germline): Uncertain significance (1 of 4 stars; one submission).

gnomAD v4.1: 1 of 1,612,372 alleles (0.000062%); highest among the groups gnomAD compares: Non-Finnish European, 0.000085%; no homozygotes.

Submission:

Labcorp Genetics (formerly Invitae), Labcorp
Classification: Uncertain significance. Last evaluated: 2024-11-11. Review status: criteria provided, single submitter. Criteria: Invitae Variant Classification Sherloc (09022015). Collection method: clinical testing. Allele origin: germline.
Comment: This sequence change replaces isoleucine, which is neutral and non-polar, with methionine, which is neutral and non-polar, at codon 1712 of the FAT4 protein (p.Ile1712Met). This variant is present in population databases (rs200472441, gnomAD 0.0009%). This variant has not been reported in the literature in individuals affected with FAT4-related conditions. Invitae Evidence Modeling of protein sequence and biophysical properties (such as structural, functional, and spatial information, amino acid conservation, physicochemical variation, residue mobility, and thermodynamic stability) indicates that this missense variant is not expected to disrupt FAT4 protein function with a negative predictive value of 80%. In summary, the available evidence is currently insufficient to determine the role of this variant in disease. Therefore, it has been classified as a Variant of Uncertain Significance.

NM_001291303.3(FAT4):c.5136A>G (p.Ile1712Met)

Gene: FAT4 (FAT atypical cadherin 4; plus strand). Cytogenetic location: 4q28.1.
Variant type: single nucleotide variant.
Coding change: c.5136A>G on transcript NM_001291303.3 (MANE Select); coding-DNA position 5136, A replaced by G.
Protein change: p.Ile1712Met; replaces isoleucine 1712 with methionine.
Molecular consequence: missense variant.
Genome position (GRCh38, 1-based): chr4:125,321,547, A>G. VCF-style: chr4-125321547-A-G. GRCh37 (hg19) VCF-style: chr4-126242702-A-G.
Other names: c.5136A>G, p.Ile1712Met (NM_001291285.3, NM_024582.6); short protein forms I1712M.
Identifiers: ClinVar variation 3618974 (VCV003618974.1).
Genomic context (GRCh38, chr4:125,321,547, plus strand): 5'-CGCAGCCATTCTGGACCGGGAGCAAGGAGCATGTCTTTACCTGGTGGATGTTTATGCCAT[A>G]GAAAAATCAACTGCTTTTCCCAGAACACAGAGAGCAGAGGTAATGATTTTGTAGTCATTT-3'
Protein context (NP_001278232.1, residues 1702-1722): ACLYLVDVYA[Ile1712Met]EKSTAFPRTQ